The following is an entry in ClinVar:

NM_182746.3(MCM4):c.1598C>T (p.Thr533Met)

Gene: MCM4 (minichromosome maintenance complex component 4; plus strand). Cytogenetic location: 8q11.21.
Variant type: single nucleotide variant.
Coding change: c.1598C>T on transcript NM_182746.3 (MANE Select); coding-DNA position 1598, C replaced by T.
Protein change: p.Thr533Met; replaces threonine 533 with methionine.
Molecular consequence: missense variant.
Genome position (GRCh38, 1-based): chr8:47,970,674, C>T. VCF-style: chr8-47970674-C-T. GRCh37 (hg19) VCF-style: chr8-48883234-C-T.
Other names: c.1598C>T (NM_005914.3); c.1598C>T, p.Thr533Met (NM_005914.4); short protein forms T533M.
Identifiers: ClinVar variation 1036379 (VCV001036379.7), dbSNP rs140970953, ClinGen allele CA4742657.

ClinVar aggregate classification (germline): Uncertain significance. Review status: criteria provided, multiple submitters, no conflicts (2 of 4 stars). 3 submissions from 3 submitters: Uncertain significance (3). Last evaluated 2026-01-12.

Allele frequency attached by ClinVar (database versions not stated): ExAC 0.00007; ESP Exome Variant Server 0.00008; gnomAD 0.00008; gnomAD exomes 0.00009; TOPMed 0.00009.
gnomAD v4.1: 148 of 1,614,046 alleles (0.0092%); highest among the groups gnomAD compares: Middle Eastern, 0.16%; no homozygotes.

Submissions (3):

Labcorp Genetics (formerly Invitae), Labcorp
Classification: Uncertain significance. Last evaluated: 2026-01-12. Review status: criteria provided, single submitter. Criteria: Invitae Variant Classification Sherloc (09022015). Collection method: clinical testing. Allele origin: germline.
Comment: This sequence change replaces threonine, which is neutral and polar, with methionine, which is neutral and non-polar, at codon 533 of the MCM4 protein (p.Thr533Met). This variant is present in population databases (rs140970953, gnomAD 0.03%). This variant has not been reported in the literature in individuals affected with MCM4-related conditions. ClinVar contains an entry for this variant (Variation ID: 1036379). Invitae Evidence Modeling of protein sequence and biophysical properties (such as structural, functional, and spatial information, amino acid conservation, physicochemical variation, residue mobility, and thermodynamic stability) indicates that this missense variant is expected to disrupt MCM4 protein function with a positive predictive value of 80%. In summary, the available evidence is currently insufficient to determine the role of this variant in disease. Therefore, it has been classified as a Variant of Uncertain Significance.

Ambry Genetics
Classification: Uncertain significance. Last evaluated: 2025-08-21. Review status: criteria provided, single submitter. Criteria: Ambry Variant Classification Scheme 2023. Collection method: clinical testing. Allele origin: germline.

Blueprint Genetics
Classification: Uncertain significance. Last evaluated: 2024-09-23. Review status: criteria provided, single submitter. Criteria: ACMG Guidelines, 2015. Collection method: clinical testing. Allele origin: germline.